The following is an entry in ClinVar:

NM_001083961.2(WDR62):c.2252G>T (p.Cys751Phe)

Gene: WDR62 (WD repeat domain 62; plus strand). Cytogenetic location: 19q13.12.
Variant type: single nucleotide variant.
Coding change: c.2252G>T on transcript NM_001083961.2 (MANE Select); coding-DNA position 2252, G replaced by T.
Protein change: p.Cys751Phe; replaces cysteine 751 with phenylalanine.
Molecular consequence: missense variant.
Genome position (GRCh38, 1-based): chr19:36,092,730, G>T. VCF-style: chr19-36092730-G-T. GRCh37 (hg19) VCF-style: chr19-36583632-G-T.
Other names: c.2237G>T, p.Cys746Phe (NM_001411145.1); c.2252G>T, p.Cys751Phe (NM_001411146.1, NM_173636.5); c.1901G>T, p.Cys634Phe (NM_001411147.1); short protein forms C746F, C634F, C751F.
Identifiers: ClinVar variation 1979815 (VCV001979815.1), dbSNP rs1254648636, ClinGen allele CA405443975.
Genomic context (GRCh38, chr19:36,092,730, plus strand): 5'-CTCTCTTTGACCTCCGCAGCTGCGTGTTCATCTGGCACCTGGGCCCGGAGATCACCAACT[G>T]CATGAAGCAGCACTTGCTGGAGATTGACCACCGGCAGCAGCAGCAGCACACAAATGACAA-3'
Protein context (NP_001077430.1, residues 741-761): IWHLGPEITN[Cys751Phe]MKQHLLEIDH

ClinVar aggregate classification (germline): Uncertain significance (1 of 4 stars; one submission).

Allele frequency attached by ClinVar (database versions not stated): gnomAD exomes 0.00001.
gnomAD v4.1: 4 of 1,614,178 alleles (0.00025%); highest among the groups gnomAD compares: Admixed American, 0.0067%; no homozygotes.

Submission:

Labcorp Genetics (formerly Invitae), Labcorp
Classification: Uncertain significance. Last evaluated: 2022-08-23. Review status: criteria provided, single submitter. Criteria: Invitae Variant Classification Sherloc (09022015). Collection method: clinical testing. Allele origin: germline.
Comment: This sequence change replaces cysteine, which is neutral and slightly polar, with phenylalanine, which is neutral and non-polar, at codon 751 of the WDR62 protein (p.Cys751Phe). This variant is present in population databases (no rsID available, gnomAD 0.006%). This variant has not been reported in the literature in individuals affected with WDR62-related conditions. Algorithms developed to predict the effect of missense changes on protein structure and function are either unavailable or do not agree on the potential impact of this missense change (SIFT: "Tolerated"; PolyPhen-2: "Probably Damaging"; Align-GVGD: "Class C0"). In summary, the available evidence is currently insufficient to determine the role of this variant in disease. Therefore, it has been classified as a Variant of Uncertain Significance.